The following is an entry in ClinVar:

NM_015474.4(SAMHD1):c.1093A>G (p.Thr365Ala)

Gene: SAMHD1 (SAM and HD domain containing deoxynucleoside triphosphate triphosphohydrolase 1; minus strand). Cytogenetic location: 20q11.23.
Variant type: single nucleotide variant.
Coding change: c.1093A>G on transcript NM_015474.4 (MANE Select); coding-DNA position 1093, A replaced by G.
Protein change: p.Thr365Ala; replaces threonine 365 with alanine.
Molecular consequence: missense variant.
Genome position (GRCh38, 1-based): chr20:36,912,522, T>C on the plus strand (A>G on the coding strand, the complement: SAMHD1 is on the minus strand). VCF-style: chr20-36912522-T-C. GRCh37 (hg19) VCF-style: chr20-35540925-T-C.
Other names: c.1093A>G, p.Thr365Ala (NM_001363729.2, NM_001363733.2); short protein forms T365A.
Identifiers: ClinVar variation 1406432 (VCV001406432.8), dbSNP rs1478441405, ClinGen allele CA408844301.

ClinVar aggregate classification (germline): Uncertain significance (1 of 4 stars; one submission).

Conditions:
Aicardi-Goutieres syndrome 5. Identifiers: Orphanet 51, MedGen C2749659, MONDO:0013059, OMIM 612952.

Submission:

Labcorp Genetics (formerly Invitae), Labcorp
Classification: Uncertain significance for Aicardi-Goutieres syndrome 5. Last evaluated: 2023-12-11. Review status: criteria provided, single submitter. Criteria: Invitae Variant Classification Sherloc (09022015). Collection method: clinical testing. Allele origin: germline.
Comment: This sequence change replaces threonine, which is neutral and polar, with alanine, which is neutral and non-polar, at codon 365 of the SAMHD1 protein (p.Thr365Ala). This variant is not present in population databases (gnomAD no frequency). This variant has not been reported in the literature in individuals affected with SAMHD1-related conditions. ClinVar contains an entry for this variant (Variation ID: 1406432). Advanced modeling of protein sequence and biophysical properties (such as structural, functional, and spatial information, amino acid conservation, physicochemical variation, residue mobility, and thermodynamic stability) performed at Invitae indicates that this missense variant is not expected to disrupt SAMHD1 protein function with a negative predictive value of 80%. In summary, the available evidence is currently insufficient to determine the role of this variant in disease. Therefore, it has been classified as a Variant of Uncertain Significance.